The following is an entry in ClinVar:

NM_032043.3(BRIP1):c.644C>A (p.Ser215Tyr)

Gene: BRIP1 (BRCA1 interacting DNA helicase 1; minus strand). Cytogenetic location: 17q23.2.
Variant type: single nucleotide variant.
Coding change: c.644C>A on transcript NM_032043.3 (MANE Select); coding-DNA position 644, C replaced by A.
Protein change: p.Ser215Tyr; replaces serine 215 with tyrosine.
Molecular consequence: missense variant.
Genome position (GRCh38, 1-based): chr17:61,808,741, G>T on the plus strand (C>A on the coding strand, the complement: BRIP1 is on the minus strand). VCF-style: chr17-61808741-G-T. GRCh37 (hg19) VCF-style: chr17-59886102-G-T.
Other names: short protein forms S215Y.
Identifiers: ClinVar variation 933759 (VCV000933759.14), dbSNP rs12947398, ClinGen allele CA292287877.

ClinVar aggregate classification (germline): Uncertain significance. Review status: criteria provided, multiple submitters, no conflicts (2 of 4 stars). 3 submissions from 3 submitters: Uncertain significance (3). Last evaluated 2026-07-02.

Conditions:
Familial cancer of breast. Also called: Hereditary breast cancer; BREAST CANCER, FAMILIAL; hereditary breast carcinoma. Identifiers: Orphanet 227535, MedGen C0346153, MONDO:0016419, OMIM 114480. Disease mechanism: loss of function.
Fanconi anemia complementation group J. Also called: BRIP1-Related Fanconi Anemia. Identifiers: Orphanet 84, MedGen C1836860, MONDO:0012187, OMIM 609054.
Hereditary cancer-predisposing syndrome. Also called: Neoplastic Syndromes, Hereditary; Hereditary Cancer Syndrome; Tumor predisposition; Hereditary neoplastic syndrome. Identifiers: Orphanet 140162, MedGen C0027672, MeSH D009386, MONDO:0015356.

Submissions (3):

Ambry Genetics
Classification: Uncertain significance for Hereditary cancer-predisposing syndrome. Last evaluated: 2026-07-02. Review status: criteria provided, single submitter. Criteria: Ambry Variant Classification Scheme 2023. Collection method: clinical testing. Allele origin: germline.
Comment: The p.S215Y variant (also known as c.644C>A), located in coding exon 6 of the BRIP1 gene, results from a C to A substitution at nucleotide position 644. The serine at codon 215 is replaced by tyrosine, an amino acid with dissimilar properties. This amino acid position is conserved. In addition, the in silico prediction for this alteration is inconclusive. Based on the available evidence, the clinical significance of this variant remains unclear.

Center for Genomic Medicine, Rigshospitalet, Copenhagen University Hospital
Classification: Uncertain significance. Last evaluated: 2025-12-29. Review status: criteria provided, single submitter. Criteria: ACMG Guidelines, 2015. Collection method: clinical testing. Allele origin: germline.

Labcorp Genetics (formerly Invitae), Labcorp
Classification: Uncertain significance for Familial cancer of breast; Fanconi anemia complementation group J. Last evaluated: 2024-04-18. Review status: criteria provided, single submitter. Criteria: Invitae Variant Classification Sherloc (09022015). Collection method: clinical testing. Allele origin: germline.
Comment: This sequence change replaces serine, which is neutral and polar, with tyrosine, which is neutral and polar, at codon 215 of the BRIP1 protein (p.Ser215Tyr). This variant is not present in population databases (gnomAD no frequency). This variant has not been reported in the literature in individuals affected with BRIP1-related conditions. ClinVar contains an entry for this variant (Variation ID: 933759). Advanced modeling of protein sequence and biophysical properties (such as structural, functional, and spatial information, amino acid conservation, physicochemical variation, residue mobility, and thermodynamic stability) performed at Invitae indicates that this missense variant is not expected to disrupt BRIP1 protein function with a negative predictive value of 80%. In summary, the available evidence is currently insufficient to determine the role of this variant in disease. Therefore, it has been classified as a Variant of Uncertain Significance.